The following is an entry in ClinVar:

NM_177438.3(DICER1):c.577T>C (p.Cys193Arg)

Gene: DICER1 (dicer 1, ribonuclease III; minus strand). Cytogenetic location: 14q32.13.
Variant type: single nucleotide variant.
Coding change: c.577T>C on transcript NM_177438.3 (MANE Select); coding-DNA position 577, T replaced by C.
Protein change: p.Cys193Arg; replaces cysteine 193 with arginine.
Molecular consequence: missense variant. On other transcripts: 5 prime UTR variant (1), non-coding transcript variant (6).
Genome position (GRCh38, 1-based): chr14:95,129,629, A>G on the plus strand (T>C on the coding strand, the complement: DICER1 is on the minus strand). VCF-style: chr14-95129629-A-G. GRCh37 (hg19) VCF-style: chr14-95595966-A-G.
Other names: c.577T>C, p.Cys193Arg (NM_001195573.1, NM_001271282.3, NM_001291628.2 and 14 more transcripts); c.295T>C, p.Cys99Arg (NM_001395686.1); c.172T>C, p.Cys58Arg (NM_001395687.1, NM_001395688.1, NM_001395689.1 and 3 more transcripts); c.10T>C, p.Cys4Arg (NM_001395691.1); c.-992T>C (NM_001395697.1); short protein forms C58R, C99R, C4R, C193R.
Identifiers: ClinVar variation 3272027 (VCV003272027.1).

ClinVar aggregate classification (germline): Uncertain significance (1 of 4 stars; one submission).

Conditions:
Hereditary cancer-predisposing syndrome. Also called: Tumor predisposition; Hereditary Cancer Syndrome; Hereditary neoplastic syndrome; Neoplastic Syndromes, Hereditary. Identifiers: Orphanet 140162, MedGen C0027672, MeSH D009386, MONDO:0015356.

gnomAD v4.1: 1 of 1,610,978 alleles (0.000062%); highest among the groups gnomAD compares: Non-Finnish European, 0.000085%; no homozygotes.

Submission:

Ambry Genetics
Classification: Uncertain significance for Hereditary cancer-predisposing syndrome. Last evaluated: 2024-05-22. Review status: criteria provided, single submitter. Criteria: Ambry Variant Classification Scheme 2023. Collection method: clinical testing. Allele origin: germline.
Comment: The p.C193R variant (also known as c.577T>C), located in coding exon 5 of the DICER1 gene, results from a T to C substitution at nucleotide position 577. The cysteine at codon 193 is replaced by arginine, an amino acid with highly dissimilar properties. This amino acid position is conserved. In addition, the in silico prediction for this alteration is inconclusive. Based on the available evidence, the clinical significance of this variant remains unclear.